The following is an entry in ClinVar:

NM_014795.4(ZEB2):c.1246A>T (p.Met416Leu)

Gene: ZEB2 (zinc finger E-box binding homeobox 2; minus strand). Cytogenetic location: 2q22.3.
Variant type: single nucleotide variant.
Coding change: c.1246A>T on transcript NM_014795.4 (MANE Select); coding-DNA position 1246, A replaced by T.
Protein change: p.Met416Leu; replaces methionine 416 with leucine.
Molecular consequence: missense variant.
Genome position (GRCh38, 1-based): chr2:144,399,941, T>A on the plus strand (A>T on the coding strand, the complement: ZEB2 is on the minus strand). VCF-style: chr2-144399941-T-A. GRCh37 (hg19) VCF-style: chr2-145157508-T-A.
Other names: c.1174A>T, p.Met392Leu (NM_001171653.2); short protein forms M392L, M416L.
Identifiers: ClinVar variation 4741429 (VCV004741429.1).

ClinVar aggregate classification (germline): Uncertain significance (1 of 4 stars; one submission).

Conditions:
Mowat-Wilson syndrome (MOWS). Also called: Classic Mowat-Wilson Syndrome. Identifiers: Orphanet 2152, MedGen C1856113, MONDO:0009341, OMIM 235730.

Submission:

Labcorp Genetics (formerly Invitae), Labcorp
Classification: Uncertain significance for Mowat-Wilson syndrome. Last evaluated: 2025-03-11. Review status: criteria provided, single submitter. Criteria: Invitae Variant Classification Sherloc (09022015). Collection method: clinical testing. Allele origin: germline.
Comment: This sequence change replaces methionine, which is neutral and non-polar, with leucine, which is neutral and non-polar, at codon 416 of the ZEB2 protein (p.Met416Leu). This variant is not present in population databases (gnomAD no frequency). This variant has not been reported in the literature in individuals affected with ZEB2-related conditions. Invitae Evidence Modeling of protein sequence and biophysical properties (such as structural, functional, and spatial information, amino acid conservation, physicochemical variation, residue mobility, and thermodynamic stability) indicates that this missense variant is not expected to disrupt ZEB2 protein function with a negative predictive value of 80%. In summary, the available evidence is currently insufficient to determine the role of this variant in disease. Therefore, it has been classified as a Variant of Uncertain Significance.